The following is an entry in ClinVar:

ClinVar aggregate classification (germline): Pathogenic (1 of 4 stars; one submission).

Conditions:
Immunodeficiency 51 (IMD51). Also called: CANDIDIASIS, FAMILIAL, 5. Identifiers: Orphanet 1334, MedGen C4310803, MONDO:0013500, OMIM 613953.

Submission:

Labcorp Genetics (formerly Invitae), Labcorp
Classification: Pathogenic for Immunodeficiency 51. Last evaluated: 2024-12-19. Review status: criteria provided, single submitter. Criteria: Invitae Variant Classification Sherloc (09022015). Collection method: clinical testing. Allele origin: germline.
Comment: This sequence change creates a premature translational stop signal (p.Arg218Alafs*30) in the IL17RA gene. It is expected to result in an absent or disrupted protein product. Loss-of-function variants in IL17RA are known to be pathogenic (PMID: 27930337). This variant is not present in population databases (gnomAD no frequency). This variant has not been reported in the literature in individuals affected with IL17RA-related conditions. For these reasons, this variant has been classified as Pathogenic.

Literature cited by the submitters: PubMed 27930337.

NM_014339.7(IL17RA):c.650dup (p.Arg218fs)

Gene: IL17RA (interleukin 17 receptor A; plus strand). Cytogenetic location: 22q11.1.
Variant type: Duplication.
Coding change: c.650dup on transcript NM_014339.7 (MANE Select); coding-DNA position 650, one base duplicated (T; older notation c.650dupT).
Protein change: p.Arg218fs; shifts the reading frame from arginine 218.
Molecular consequence: frameshift variant.
Genome position (GRCh38, 1-based): chr22:17,102,190, T duplicated. VCF-style (leftmost placement, unchanged base first): chr22-17102189-C-CT. GRCh37 (hg19) VCF-style: chr22-17583079-C-CT.
Other names: c.650dup, p.Arg218fs (NM_001289905.2); short protein forms R218fs.
Identifiers: ClinVar variation 3727635 (VCV003727635.2).